The following is an entry in ClinVar:

NM_004655.4(AXIN2):c.41G>A (p.Ser14Asn)

Gene: AXIN2 (axin 2; minus strand). Cytogenetic location: 17q24.1.
Variant type: single nucleotide variant.
Coding change: c.41G>A on transcript NM_004655.4 (MANE Select); coding-DNA position 41, G replaced by A.
Protein change: p.Ser14Asn; replaces serine 14 with asparagine.
Molecular consequence: missense variant.
Genome position (GRCh38, 1-based): chr17:65,558,580, C>T on the plus strand (G>A on the coding strand, the complement: AXIN2 is on the minus strand). VCF-style: chr17-65558580-C-T. GRCh37 (hg19) VCF-style: chr17-63554698-C-T.
Other names: c.41G>A, p.Ser14Asn (NM_001363813.1); short protein forms S14N.
Identifiers: ClinVar variation 3981147 (VCV003981147.1).
Genomic context (GRCh38, chr17:65,558,580, plus strand): 5'-GGGGTCTCCCCTTCTTCCCCTGGCACTGGGGGCCGCGGGGCATCCTCACGGAAGCTGCTG[C>T]TGGGGTCCGGGAGGCAAGTCACCAACATAGCGCTACTCATGGTGAGGGAGCTCTTCCCAC-3'
Protein context (NP_004646.3, residues 4-24): AMLVTCLPDP[Ser14Asn]SSFREDAPRP

ClinVar aggregate classification (germline): Uncertain significance (1 of 4 stars; one submission).

Conditions:
Hereditary cancer-predisposing syndrome. Also called: Tumor predisposition; Hereditary neoplastic syndrome; Neoplastic Syndromes, Hereditary; Hereditary Cancer Syndrome. Identifiers: Orphanet 140162, MedGen C0027672, MeSH D009386, MONDO:0015356.

Submission:

Ambry Genetics
Classification: Uncertain significance for Hereditary cancer-predisposing syndrome. Last evaluated: 2025-05-21. Review status: criteria provided, single submitter. Criteria: Ambry Variant Classification Scheme 2023. Collection method: clinical testing. Allele origin: germline.
Comment: The p.S14N variant (also known as c.41G>A), located in coding exon 1 of the AXIN2 gene, results from a G to A substitution at nucleotide position 41. The serine at codon 14 is replaced by asparagine, an amino acid with highly similar properties. This amino acid position is conserved. In addition, this alteration is predicted to be tolerated by in silico analysis. Based on the available evidence, the clinical significance of this variant remains unclear.